The following is an entry in ClinVar:

NM_000274.4(OAT):c.991C>T (p.Arg331Ter)

Gene: OAT (ornithine aminotransferase; minus strand). Cytogenetic location: 10q26.13.
Variant type: single nucleotide variant.
Coding change: c.991C>T on transcript NM_000274.4 (MANE Select); coding-DNA position 991, C replaced by T.
Protein change: p.Arg331Ter; replaces arginine 331 with a stop codon.
Molecular consequence: nonsense.
Genome position (GRCh38, 1-based): chr10:124,401,749, G>A on the plus strand (C>T on the coding strand, the complement: OAT is on the minus strand). VCF-style: chr10-124401749-G-A. GRCh37 (hg19) VCF-style: chr10-126090318-G-A.
Other names: c.577C>T, p.Arg193Ter (NM_001171814.2); c.991C>T, p.Arg331Ter (NM_001322965.2, NM_001322966.2, NM_001322967.2 and 3 more transcripts); c.670C>T, p.Arg224Ter (NM_001322971.2); c.391C>T, p.Arg131Ter (NM_001322974.2); short protein forms R193*, R331*, R224*, R131*.
Identifiers: ClinVar variation 56141 (VCV000056141.24), dbSNP rs386833623, ClinGen allele CA144189.
Genomic context (GRCh38, chr10:124,401,749, plus strand): 5'-TAAAGAATAGACACTGTGTGGCTGTATCAGTCTTTACCTCAAGGGCTGCGATGGCCACTC[G>A]GCAGCCTAGTGGATTGCCACCGTATGTGGACCCATGCTCCCCTGGCTTAATGGTCAGCAT-3'

ClinVar aggregate classification (germline): Pathogenic. Review status: criteria provided, multiple submitters, no conflicts (2 of 4 stars). 9 submissions from 9 submitters: Pathogenic (8). 1 of the submissions does not count toward it. Last evaluated 2025-11-15.

Conditions:
OAT-related disorder. Also called: OAT-related condition.
Ornithine aminotransferase deficiency (GACR). Also called: Ornithine ketoacid aminotransferase deficiency; Gyrate atrophy; Gyrate atrophy of choroid and retina; Girate atrophy of the retina; OKT DEFICIENCY; HYPERORNITHINEMIA WITH GYRATE ATROPHY OF CHOROID AND RETINA. Identifiers: Orphanet 414, MedGen C0018425, MONDO:0009796, OMIM 258870.

Allele frequency attached by ClinVar (database versions not stated): TOPMed below 0.00001; gnomAD 0.00001; ExAC 0.00002; gnomAD exomes 0.00002.

Submissions (9):

Labcorp Genetics (formerly Invitae), Labcorp
Classification: Pathogenic for Ornithine aminotransferase deficiency. Last evaluated: 2025-11-15. Review status: criteria provided, single submitter. Criteria: Invitae Variant Classification Sherloc (09022015). Collection method: clinical testing. Allele origin: germline.
Comment: This sequence change creates a premature translational stop signal (p.Arg331*) in the OAT gene. It is expected to result in an absent or disrupted protein product. Loss-of-function variants in OAT are known to be pathogenic (PMID: 1737786, 23076989). This variant is present in population databases (rs386833623, gnomAD 0.01%). This premature translational stop signal has been observed in individual(s) with gyrate atrophy (PMID: 23076989). ClinVar contains an entry for this variant (Variation ID: 56141). For these reasons, this variant has been classified as Pathogenic.

PreventionGenetics, part of Exact Sciences
Classification: Pathogenic for OAT-related condition. Last evaluated: 2025-11-11. Review status: criteria provided, single submitter. Criteria: ACMG Guidelines, 2015. Collection method: clinical testing. Allele origin: germline.
Comment: The OAT c.991C>T variant is predicted to result in premature protein termination (p.Arg331*). This variant was reported in individuals with autosomal recessive gyrate atrophy (see, for example, Doimo et al. 2013. PubMed ID: 23076989). This variant is reported in 0.014% of alleles in individuals of Latino descent in gnomAD. Nonsense variants in OAT are expected to be pathogenic. This variant is interpreted as pathogenic.

Natera, Inc.
Classification: Pathogenic for Gyrate atrophy. Last evaluated: 2025-09-11. Review status: criteria provided, single submitter. Criteria: Natera Variant Classification Schema (03/2026). Collection method: clinical testing. Allele origin: germline.
Comment: The c.991C>T variant in OAT is a nonsense variant predicted to introduce a stop codon at amino acid 331. This variant is expected to result in nonsense mediated decay, truncation, or a dysfunctional protein product. This variant is rare in the general population with a frequency below the threshold expected for the associated phenotype(s). This variant has been observed in one or more individuals affected with the associated recessive disease, as either homozygous or compound heterozygous with a second variant (PMID: 35782604). Given the available evidence, this variant is classified as Pathogenic.

3billion
Classification: Pathogenic for Ornithine aminotransferase deficiency. Last evaluated: 2025-04-08. Review status: criteria provided, single submitter. Criteria: ACMG Guidelines, 2015. Collection method: clinical testing. Allele origin: germline. Affected: yes.

Baylor Genetics
Classification: Pathogenic for Ornithine aminotransferase deficiency. Last evaluated: 2023-11-25. Review status: criteria provided, single submitter. Criteria: ACMG Guidelines, 2015. Collection method: clinical testing. Allele origin: unknown.

Revvity Omics, Revvity
Classification: Pathogenic for Ornithine aminotransferase deficiency. Last evaluated: 2022-10-31. Review status: criteria provided, single submitter. Criteria: ACMG Guidelines, 2015. Collection method: clinical testing. Allele origin: germline.

GeneDx
Classification: Pathogenic. Last evaluated: 2022-05-02. Review status: criteria provided, single submitter. Criteria: GeneDx Variant Classification Process June 2021. Collection method: clinical testing. Allele origin: germline. Affected: yes.
Comment: Nonsense variant predicted to result in protein truncation or nonsense mediated decay in a gene for which loss-of-function is a known mechanism of disease; Not observed at a significant frequency in large population cohorts (gnomAD); This variant is associated with the following publications: (PMID: 23076989, 34426522)

Blueprint Genetics
Classification: Pathogenic for OAT-related disorders. Last evaluated: 2020-05-15. Review status: criteria provided, single submitter. Criteria: ACMG Guidelines, 2015. Collection method: clinical testing. Allele origin: germline. Affected: yes. Observed: 4 variant alleles.

Juha Muilu Group; Institute for Molecular Medicine Finland (FIMM)
Classification: Likely pathogenic for Ornithine aminotransferase deficiency. Review status: no assertion criteria provided. Collection method: not provided. Allele origin: unknown. Not counted in ClinVar's aggregate classification.
Comment: FinDis database variant: This variant was not found or characterized by our laboratory, data were collected from public sources: see reference
ClinVar note: Converted during submission from probable-pathogenic to Likely pathogenic.

Literature cited by the submitters: PubMed 1737786 (cited by Labcorp Genetics (formerly Invitae), Labcorp); PubMed 23076989 (cited by Labcorp Genetics (formerly Invitae), Labcorp and 3billion); PubMed 35782604 (cited by Natera, Inc.).